The following is an entry in ClinVar:

NM_024741.3(ZNF408):c.1567C>T (p.Pro523Ser)

Gene: ZNF408 (zinc finger protein 408; plus strand). Cytogenetic location: 11p11.2.
Variant type: single nucleotide variant.
Coding change: c.1567C>T on transcript NM_024741.3 (MANE Select); coding-DNA position 1567, C replaced by T.
Protein change: p.Pro523Ser; replaces proline 523 with serine.
Molecular consequence: missense variant.
Genome position (GRCh38, 1-based): chr11:46,705,267, C>T. VCF-style: chr11-46705267-C-T. GRCh37 (hg19) VCF-style: chr11-46726817-C-T.
Other names: c.1543C>T, p.Pro515Ser (NM_001184751.2); short protein forms P515S, P523S.
Identifiers: ClinVar variation 966681 (VCV000966681.10), dbSNP rs112161792, ClinGen allele CA221634040.
Genomic context (GRCh38, chr11:46,705,267, plus strand): 5'-CGGGCGTTTCGTCAGCGGGGCAACCTGCGTGGGCATTTGCGGCTCCACACCGGGGAGCGT[C>T]CTTACCGCTGCCCACACTGTGCCGATGCCTTCCCCCAGCTGCCTGAACTGCGGCGCCATC-3'
Protein context (NP_079017.1, residues 513-533): GHLRLHTGER[Pro523Ser]YRCPHCADAF

ClinVar aggregate classification (germline): Uncertain significance. Review status: criteria provided, multiple submitters, no conflicts (2 of 4 stars). 2 submissions from 2 submitters: Uncertain significance (2). Last evaluated 2022-01-05.

Allele frequency attached by ClinVar (database versions not stated): gnomAD exomes below 0.00001; gnomAD 0.00001.

Submissions (2):

Labcorp Genetics (formerly Invitae), Labcorp
Classification: Uncertain significance. Last evaluated: 2022-01-05. Review status: criteria provided, single submitter. Criteria: Invitae Variant Classification Sherloc (09022015). Collection method: clinical testing. Allele origin: germline.
Comment: In summary, the available evidence is currently insufficient to determine the role of this variant in disease. Therefore, it has been classified as a Variant of Uncertain Significance. Algorithms developed to predict the effect of missense changes on protein structure and function (SIFT, PolyPhen-2, Align-GVGD) all suggest that this variant is likely to be disruptive. ClinVar contains an entry for this variant (Variation ID: 966681). This variant has not been reported in the literature in individuals affected with ZNF408-related conditions. This variant is not present in population databases (gnomAD no frequency). This sequence change replaces proline, which is neutral and non-polar, with serine, which is neutral and polar, at codon 523 of the ZNF408 protein (p.Pro523Ser).

Blueprint Genetics
Classification: Uncertain significance. Last evaluated: 2020-10-26. Review status: criteria provided, single submitter. Criteria: ACMG Guidelines, 2015. Collection method: clinical testing. Allele origin: germline.